The following is an entry in ClinVar:

ClinVar aggregate classification (germline): Uncertain significance (1 of 4 stars; one submission).

Allele frequency attached by ClinVar (database versions not stated): TOPMed below 0.00001.

Submission:

Ambry Genetics
Classification: Uncertain significance. Last evaluated: 2022-04-12. Review status: criteria provided, single submitter. Criteria: Ambry Variant Classification Scheme 2023. Collection method: clinical testing. Allele origin: germline.
Comment: The p.N66T variant (also known as c.197A>C), located in coding exon 2 of the ALPK2 gene, results from an A to C substitution at nucleotide position 197. The asparagine at codon 66 is replaced by threonine, an amino acid with similar properties. This amino acid position is conserved. In addition, this alteration is predicted to be tolerated by in silico analysis. Since supporting evidence is limited at this time, the clinical significance of this alteration remains unclear.

NM_052947.4(ALPK2):c.197A>C (p.Asn66Thr)

Gene: ALPK2 (alpha kinase 2; minus strand). Cytogenetic location: 18q21.32.
Variant type: single nucleotide variant.
Coding change: c.197A>C on transcript NM_052947.4 (MANE Select); coding-DNA position 197, A replaced by C.
Protein change: p.Asn66Thr; replaces asparagine 66 with threonine.
Molecular consequence: missense variant.
Genome position (GRCh38, 1-based): chr18:58,607,352, T>G on the plus strand (A>C on the coding strand, the complement: ALPK2 is on the minus strand). VCF-style: chr18-58607352-T-G. GRCh37 (hg19) VCF-style: chr18-56274584-T-G.
Other names: short protein forms N66T.
Identifiers: ClinVar variation 1783768 (VCV001783768.2), dbSNP rs2052103311, ClinGen allele CA402555808.
Genomic context (GRCh38, chr18:58,607,352, plus strand): 5'-TAAACAGTCCACAGGGGTATAGCCACTTACCAAGAGAGATGTAACACATGAATATACTGA[T>G]TCTCAAAGAATTCATAGTTGGAAATAATGCCACTCCCATCGATGGCCTGACCATTCTTAT-3'
Protein context (NP_443179.3, residues 56-76): GIISNYEFFE[Asn66Thr]QYIHVLHLSC